The following is an entry in ClinVar:

NM_015215.4(CAMTA1):c.-2_1dup

Genes: CAMTA1 (calmodulin binding transcription activator 1; plus strand), LOC129929266 (ATAC-STARR-seq lymphoblastoid silent region 177; plus strand). Cytogenetic location: 1p36.31.
Variant type: Microsatellite.
Coding change: c.-2_1dup on transcript NM_015215.4 (MANE Select); 2 bases upstream of the start codon through coding-DNA position 1, 3 bases duplicated (GGA; older notation c.-2_1dupGGA).
Molecular consequence: initiator codon variant. On other transcripts: 5 prime UTR variant (2), non-coding transcript variant (4).
Genome position (GRCh38, 1-based): chr1:6,785,529-6,785,531, GGA duplicated; duplicating any 3 consecutive bases within chr1:6,785,518-6,785,531 gives the same sequence; the c. name uses the placement nearest the transcript's 3' end. VCF-style (leftmost placement, unchanged base first): chr1-6785517-C-CGAG. GRCh37 (hg19) VCF-style: chr1-6845577-C-CGAG.
Other names: c.-31GGA[5] (NM_001349608.2, NM_001349612.2).
Identifiers: ClinVar variation 4851265 (VCV004851265.1).
Genomic context (GRCh38, chr1:6,785,517, plus strand): 5'-GGCGGGGTGGCTGGGCCGGCGGCGGCGGCGGTACGAGGCGCGCGCTCGGGGTCCCGGTCG[C>CGAG]GAGGAGGAGGAGGATGTGGCGCGCGGAGGGGAAATGGCTGCCGAAAACAAGCCGGAAGGT-3'

ClinVar aggregate classification (germline): Likely benign (1 of 4 stars; one submission).

Conditions:
Cerebellar dysfunction with variable cognitive and behavioral abnormalities (CECBA). Also called: Nonprogressive cerebellar atxia with intellectual disability. Identifiers: Orphanet 314647, MedGen C3553661, MONDO:0013886, OMIM 614756.

Submission:

Centre for Medical Genetics,  Mumbai
Classification: Likely benign for Cerebellar dysfunction with variable cognitive and behavioral abnormalities. Last evaluated: 2026-04-06. Review status: criteria provided, single submitter. Criteria: ACMG Guidelines, 2015. Collection method: provider interpretation. Allele origin: germline. Inheritance: Autosomal dominant inheritance. Affected: no. Observed: 1 variant allele, 1 heterozygote.
Comment: The variant satisfies PVS1 criteria; Null variant in a gene where loss of function is a known mechanism of disease. However, the variant satisfies BS2 criteria.

Literature cited by the submitters: PubMed 22693284.